The following is an entry in ClinVar:

NM_015559.3(SETBP1):c.1799C>T (p.Thr600Met)

Gene: SETBP1 (SET binding protein 1; plus strand). Cytogenetic location: 18q12.3.
Variant type: single nucleotide variant.
Coding change: c.1799C>T on transcript NM_015559.3 (MANE Select); coding-DNA position 1799, C replaced by T.
Protein change: p.Thr600Met; replaces threonine 600 with methionine.
Molecular consequence: missense variant.
Genome position (GRCh38, 1-based): chr18:44,951,139, C>T. VCF-style: chr18-44951139-C-T. GRCh37 (hg19) VCF-style: chr18-42531104-C-T.
Other names: c.1799C>T, p.Thr600Met (NM_001379141.1, NM_001379142.1, NM_001410862.1); short protein forms T600M.
Identifiers: ClinVar variation 2820999 (VCV002820999.9), dbSNP rs1201997891, ClinGen allele CA402319515.
Genomic context (GRCh38, chr18:44,951,139, plus strand): 5'-TCACTCCAGTCAAAAAGAAGCGGGGACGACCAAAGAAGCAGCCTTTGCTCACAGTCGAGA[C>T]GATTCATGAGGGAACTTCCACCAGCCCCGTCAGTCCCATCAGCCGAGAGTTTCCTGGCAC-3'
Protein context (NP_056374.2, residues 590-610): PKKQPLLTVE[Thr600Met]IHEGTSTSPV

ClinVar aggregate classification (germline): Uncertain significance. Review status: criteria provided, multiple submitters, no conflicts (2 of 4 stars). 2 submissions from 2 submitters: Uncertain significance (2). Last evaluated 2025-11-01.

gnomAD v4.1: 2 of 1,614,038 alleles (0.00012%); highest among the groups gnomAD compares: Non-Finnish European, 0.000085%; no homozygotes.

Submissions (2):

CeGaT Center for Human Genetics Tuebingen
Classification: Uncertain significance. Last evaluated: 2025-11-01. Review status: criteria provided, single submitter. Criteria: CeGaT Center For Human Genetics Tuebingen Variant Classification Criteria Version 2. Collection method: clinical testing. Allele origin: germline. Affected: yes. Observed: 1 variant allele.
Comment: SETBP1: PM2:Supporting, PP2

Labcorp Genetics (formerly Invitae), Labcorp
Classification: Uncertain significance. Last evaluated: 2023-06-29. Review status: criteria provided, single submitter. Criteria: Invitae Variant Classification Sherloc (09022015). Collection method: clinical testing. Allele origin: germline.
Comment: In summary, the available evidence is currently insufficient to determine the role of this variant in disease. Therefore, it has been classified as a Variant of Uncertain Significance. Advanced modeling of protein sequence and biophysical properties (such as structural, functional, and spatial information, amino acid conservation, physicochemical variation, residue mobility, and thermodynamic stability) performed at Invitae indicates that this missense variant is expected to disrupt SETBP1 protein function. This variant has not been reported in the literature in individuals affected with SETBP1-related conditions. This variant is not present in population databases (gnomAD no frequency). This sequence change replaces threonine, which is neutral and polar, with methionine, which is neutral and non-polar, at codon 600 of the SETBP1 protein (p.Thr600Met).